The following is an entry in ClinVar:

ClinVar aggregate classification (germline): Pathogenic/Likely pathogenic. Review status: criteria provided, multiple submitters, no conflicts (2 of 4 stars). 3 submissions from 3 submitters: Pathogenic (1); Likely pathogenic (2). Last evaluated 2026-01-12.

Conditions:
Hereditary insensitivity to pain with anhidrosis (CIPA). Also called: INSENSITIVITY TO PAIN, CONGENITAL, WITH ANHIDROSIS; NEUROPATHY, CONGENITAL SENSORY, WITH ANHIDROSIS; NTRK1 Congenital Insensitivity to Pain with Anhidrosis; hereditary sensory and autonomic neuropathy type 4; FAMILIAL DYSAUTONOMIA, TYPE II; HSAN Type IV. Identifiers: Orphanet 642, MedGen C0020074, MONDO:0009746, OMIM 256800.

Allele frequency attached by ClinVar (database versions not stated): gnomAD exomes below 0.00001.
gnomAD v4.1: 1 of 1,613,362 alleles (0.000062%); highest among the groups gnomAD compares: Non-Finnish European, 0.000085%; no homozygotes.

Submissions (3):

Natera, Inc.
Classification: Pathogenic for Hereditary insensitivity to pain with anhidrosis. Last evaluated: 2026-01-12. Review status: criteria provided, single submitter. Criteria: Natera Variant Classification Schema (03/2026). Collection method: clinical testing. Allele origin: germline.
Comment: The c.1233+1G>A variant in NTRK1 is a canonical splice donor site variant predicted to affect pre-mRNA splicing, which may result in an abnormal transcript and altered protein product. This variant is expected to result in nonsense mediated decay, truncation, or a dysfunctional protein product. This variant is rare in the general population with a frequency below the threshold expected for the associated phenotype(s). This variant has been observed in one or more individuals affected with the associated recessive disease, as either homozygous or compound heterozygous with a second variant (PMID: 34674383). Given the available evidence, this variant is classified as Pathogenic.

Myriad Genetics, Inc.
Classification: Likely pathogenic for Hereditary insensitivity to pain with anhidrosis. Last evaluated: 2025-05-09. Review status: criteria provided, single submitter. Criteria: Myriad Autosomal Dominant, Autosomal Recessive and X-Linked Classification Criteria (2023). Collection method: clinical testing. Allele origin: unknown.
Comment: NM_002529.3(NTRK1):c.1251+1G>A is a variant in a canonical splice site classified as likely pathogenic in the context of congenital insensitivity to pain with anhidrosis, NTRK1-related. c.1251+1G>A has been observed in a case with relevant disease (PMID: 34674383). Relevant functional assessments of this variant are not available in the literature. c.1251+1G>A has not been observed in referenced population frequency databases. In summary, NM_002529.3(NTRK1):c.1251+1G>A is a variant in a canonical splice site in a gene where loss of function is a known mechanism of disease, is predicted to disrupt protein function, and has been observed more frequently in cases with the relevant disease than in healthy populations. Please note: this variant was assessed in the context of healthy population screening.

Labcorp Genetics (formerly Invitae), Labcorp
Classification: Likely pathogenic for Hereditary insensitivity to pain with anhidrosis. Last evaluated: 2022-09-18. Review status: criteria provided, single submitter. Criteria: Invitae Variant Classification Sherloc (09022015). Collection method: clinical testing. Allele origin: germline.
Comment: This sequence change affects a donor splice site in intron 9 of the NTRK1 gene. It is expected to disrupt RNA splicing. Variants that disrupt the donor or acceptor splice site typically lead to a loss of protein function (PMID: 16199547), and loss-of-function variants in NTRK1 are known to be pathogenic (PMID: 10982191). This variant is not present in population databases (gnomAD no frequency). In summary, the currently available evidence indicates that the variant is pathogenic, but additional data are needed to prove that conclusively. Therefore, this variant has been classified as Likely Pathogenic. Algorithms developed to predict the effect of sequence changes on RNA splicing suggest that this variant may disrupt the consensus splice site. This variant has not been reported in the literature in individuals affected with NTRK1-related conditions.

Literature cited by the submitters: PubMed 34674383 (cited by Natera, Inc. and Myriad Genetics, Inc.); PubMed 16199547 (cited by Labcorp Genetics (formerly Invitae), Labcorp); PubMed 10982191 (cited by Labcorp Genetics (formerly Invitae), Labcorp).

NM_002529.4(NTRK1):c.1251+1G>A

Gene: NTRK1 (neurotrophic receptor tyrosine kinase 1; plus strand). Cytogenetic location: 1q23.1.
Variant type: single nucleotide variant.
Coding change: c.1251+1G>A on transcript NM_002529.4 (MANE Select); the canonical splice donor site of the intron after coding-DNA position 1251, G replaced by A.
Molecular consequence: splice donor variant.
Genome position (GRCh38, 1-based): chr1:156,874,627, G>A. VCF-style: chr1-156874627-G-A. GRCh37 (hg19) VCF-style: chr1-156844419-G-A.
Other names: c.1143+1G>A (NM_001007792.1); c.1233+1G>A (NM_001012331.2, NM_001012331.1).
Identifiers: ClinVar variation 1986735 (VCV001986735.6), dbSNP rs754483923, ClinGen allele CA342936528.
Genomic context (GRCh38, chr1:156,874,627, plus strand): 5'-ACAGACACTAACAGCACATCTGGAGACCCGGTGGAGAAGAAGGACGAAACACCTTTTGGG[G>A]TGAGATAGGAAGTAGAAGCTTGTGCAGACTTTGGGACCGGGAGGCTGGGTAGAGGCTCAT-3'